The following is an entry in ClinVar:

ClinVar aggregate classification (germline): Likely pathogenic (1 of 4 stars; one submission).

Conditions:
Leber congenital amaurosis 13 (LCA13). Identifiers: MedGen C2675186, MONDO:0012990, OMIM 612712.

Submission:

Labcorp Genetics (formerly Invitae), Labcorp
Classification: Likely pathogenic for Leber congenital amaurosis 13. Last evaluated: 2026-01-26. Review status: criteria provided, single submitter. Criteria: Invitae Variant Classification Sherloc (09022015). Collection method: clinical testing. Allele origin: germline.
Comment: This sequence change affects an acceptor splice site in intron 3 of the RDH12 gene. It is expected to disrupt RNA splicing. Variants that disrupt the donor or acceptor splice site typically lead to a loss of protein function (PMID: 16199547), and loss-of-function variants in RDH12 are known to be pathogenic (PMID: 17964524, 22065924, 32014858, 34001834). This variant is not present in population databases (gnomAD no frequency). This variant has not been reported in the literature in individuals affected with RDH12-related conditions. Algorithms developed to predict the effect of sequence changes on RNA splicing suggest that this variant may disrupt the consensus splice site. In summary, the currently available evidence indicates that the variant is pathogenic, but additional data are needed to prove that conclusively. Therefore, this variant has been classified as Likely Pathogenic.

Literature cited by the submitters: PubMed 16199547; PubMed 17964524; PubMed 22065924; PubMed 32014858; PubMed 34001834.

NM_152443.3(RDH12):c.69-1G>C

Genes: GPHN (gephyrin; plus strand), RDH12 (retinol dehydrogenase 12; plus strand). Cytogenetic location: 14q24.1.
Variant type: single nucleotide variant.
Coding change: c.69-1G>C on transcript NM_152443.3 (MANE Select); the canonical splice acceptor site of the intron before coding-DNA position 69, G replaced by C.
Molecular consequence: splice acceptor variant.
Genome position (GRCh38, 1-based): chr14:67,724,472, G>C. VCF-style: chr14-67724472-G-C. GRCh37 (hg19) VCF-style: chr14-68191189-G-C.
Identifiers: ClinVar variation 4736242 (VCV004736242.1).